The following is an entry in ClinVar:

NM_001164508.2(NEB):c.23235del (p.Ser7746fs)

Genes: NEB (nebulin; minus strand), RIF1 (replication timing regulatory factor 1; plus strand). Cytogenetic location: 2q23.3.
Variant type: Deletion.
Coding change: c.23235del on transcript NM_001164508.2 (MANE Select); coding-DNA position 23235, one base deleted (C; older notation c.23235delC).
Protein change: p.Ser7746fs; shifts the reading frame from serine 7746.
Molecular consequence: frameshift variant.
Genome position (GRCh38, 1-based): chr2:151,513,586, G deleted on the plus strand (C on the coding strand, the reverse complement: NEB is on the minus strand); the first of 2 consecutive G bases (chr2:151,513,586-151,513,587); deleting either gives the same sequence. VCF-style (leftmost placement, unchanged base first): chr2-151513585-TG-T. GRCh37 (hg19) VCF-style: chr2-152370099-TG-T.
Other names: c.23235del, p.Ser7746fs (NM_001164507.2); c.23340del, p.Ser7781fs (NM_001271208.2); c.18132del, p.Ser6045fs (NM_004543.5); short protein forms S6045fs, S7746fs, S7781fs.
Identifiers: ClinVar variation 5014183 (VCV005014183.1).

ClinVar aggregate classification (germline): Pathogenic (1 of 4 stars; one submission).

Conditions:
Nemaline myopathy 2 (NEM2). Also called: Nemaline myopathy 2, autosomal recessive. Identifiers: MedGen C1850569, MONDO:0009725, OMIM 256030.

Submission:

Myriad Genetics, Inc.
Classification: Pathogenic for Nemaline myopathy 2. Last evaluated: 2023-11-17. Review status: criteria provided, single submitter. Criteria: Myriad Autosomal Dominant, Autosomal Recessive and X-Linked Classification Criteria (2023). Collection method: clinical testing. Allele origin: unknown.
Comment: NM_001271208.1(NEB):c.23340delC(S7781Vfs*98) is expected to be pathogenic in the context of NEB-related nemaline myopathy. This variant is predicted to lead to an abnormal or absent protein product due to the creation of a premature termination codon in NEB, a gene where loss-of-function variants are known to be pathogenic. Please note: this variant was assessed in the context of healthy population screening.